The following is an entry in ClinVar:

NM_021728.4(OTX2):c.127C>A (p.Pro43Thr)

Gene: OTX2 (orthodenticle homeobox 2; minus strand). Cytogenetic location: 14q22.3.
Variant type: single nucleotide variant.
Coding change: c.127C>A on transcript NM_021728.4 (MANE Select); coding-DNA position 127, C replaced by A.
Protein change: p.Pro43Thr; replaces proline 43 with threonine.
Molecular consequence: missense variant.
Genome position (GRCh38, 1-based): chr14:56,804,334, G>T on the plus strand (C>A on the coding strand, the complement: OTX2 is on the minus strand). VCF-style: chr14-56804334-G-T. GRCh37 (hg19) VCF-style: chr14-57271052-G-T.
Other names: c.103C>A, p.Pro35Thr (NM_001270523.2, NM_001270524.2, NM_172337.3); c.127C>A, p.Pro43Thr (NM_001270525.2); short protein forms P35T, P43T.
Identifiers: ClinVar variation 2873289 (VCV002873289.3), dbSNP rs374042850, ClinGen allele CA390052555.

ClinVar aggregate classification (germline): Uncertain significance (1 of 4 stars; one submission).

Conditions:
Anophthalmia-microphthalmia syndrome. Also called: Anophthalmia/Microphthalmia; Anophthalmia - microphthalmia. Identifiers: Orphanet 98555, MedGen C5680330, MONDO:0020147.

gnomAD v4.1: 23 of 1,613,930 alleles (0.0014%); highest among the groups gnomAD compares: Middle Eastern, 0.033%; no homozygotes.

Submission:

Labcorp Genetics (formerly Invitae), Labcorp
Classification: Uncertain significance for Anophthalmia-microphthalmia syndrome. Last evaluated: 2025-08-11. Review status: criteria provided, single submitter. Criteria: Invitae Variant Classification Sherloc (09022015). Collection method: clinical testing. Allele origin: germline.
Comment: This sequence change replaces proline, which is neutral and non-polar, with threonine, which is neutral and polar, at codon 35 of the OTX2 protein (p.Pro35Thr). The frequency data for this variant in the population databases is considered unreliable, as metrics indicate poor data quality at this position in the gnomAD database. This variant has not been reported in the literature in individuals affected with OTX2-related conditions. ClinVar contains an entry for this variant (Variation ID: 2873289). An algorithm developed to predict the effect of missense changes on protein structure and function (PolyPhen-2) suggests that this variant is likely to be tolerated. In summary, the available evidence is currently insufficient to determine the role of this variant in disease. Therefore, it has been classified as a Variant of Uncertain Significance.